The following is an entry in ClinVar:

NM_015046.7(SETX):c.1875A>G (p.Glu625=)

Gene: SETX (senataxin; minus strand). Cytogenetic location: 9q34.13.
Variant type: single nucleotide variant.
Coding change: c.1875A>G on transcript NM_015046.7 (MANE Select); coding-DNA position 1875, A replaced by G.
Protein change: p.Glu625=; no amino-acid change (glutamic acid 625 retained).
Molecular consequence: synonymous variant.
Genome position (GRCh38, 1-based): chr9:132,329,723, T>C on the plus strand (A>G on the coding strand, the complement: SETX is on the minus strand). VCF-style: chr9-132329723-T-C. GRCh37 (hg19) VCF-style: chr9-135205110-T-C.
Other names: c.1875A>G, p.Glu625= (NM_001351527.2, NM_001351528.2).
Identifiers: ClinVar variation 3029818 (VCV003029818.3), dbSNP rs747678484, ClinGen allele CA5297704.

ClinVar aggregate classification (germline): Uncertain significance. Review status: criteria provided, single submitter (1 of 4 stars). 2 submissions from 2 submitters: Uncertain significance (1). 1 of the submissions does not count toward it. Last evaluated 2018-09-24.

Conditions:
SETX-related disorder. Also called: SETX-related disorders; SETX-related condition. Identifiers: MedGen CN239403.

Allele frequency attached by ClinVar (database versions not stated): ExAC 0.00001; TOPMed 0.00001; gnomAD exomes 0.00005.
gnomAD v4.1: 67 of 1,614,162 alleles (0.0042%); highest among the groups gnomAD compares: Non-Finnish European, 0.0057%; no homozygotes.

Submissions (2):

Blueprint Genetics
Classification: Uncertain significance. Last evaluated: 2018-09-24. Review status: criteria provided, single submitter. Criteria: ACMG Guidelines, 2015. Collection method: clinical testing. Allele origin: germline.

PreventionGenetics, part of Exact Sciences
Classification: Likely benign for SETX-related condition. Last evaluated: 2023-10-21. Review status: no assertion criteria provided. Collection method: clinical testing. Allele origin: germline. Not counted in ClinVar's aggregate classification.
Comment: This variant is classified as likely benign based on ACMG/AMP sequence variant interpretation guidelines (Richards et al. 2015 PMID: 25741868, with internal and published modifications).